The following is an entry in ClinVar:

NM_001099289.3(SH3RF3):c.2378G>A (p.Arg793Lys)

Genes: RANBP2 (RAN binding protein 2; plus strand), SH3RF3 (SH3 domain containing ring finger 3; plus strand). Cytogenetic location: 2q13.
Variant type: single nucleotide variant.
Coding change: c.2378G>A on transcript NM_001099289.3 (MANE Select); coding-DNA position 2378, G replaced by A.
Protein change: p.Arg793Lys; replaces arginine 793 with lysine.
Molecular consequence: missense variant.
Genome position (GRCh38, 1-based): chr2:109,490,834, G>A. VCF-style: chr2-109490834-G-A. GRCh37 (hg19) VCF-style: chr2-110107290-G-A.
Other names: short protein forms R793K.
Identifiers: ClinVar variation 2318786 (VCV002318786.2), dbSNP rs1284252676, ClinGen allele CA348067574.

ClinVar aggregate classification (germline): Uncertain significance (1 of 4 stars; one submission).

Allele frequency attached by ClinVar (database versions not stated): TOPMed below 0.00001; gnomAD 0.00001; gnomAD exomes 0.00001.
gnomAD v4.1: 5 of 1,536,724 alleles (0.00033%); highest among the groups gnomAD compares: Non-Finnish European, 0.00044%; no homozygotes.

Submission:

Ambry Genetics
Classification: Uncertain significance. Last evaluated: 2022-10-25. Review status: criteria provided, single submitter. Criteria: Ambry Variant Classification Scheme 2023. Collection method: clinical testing. Allele origin: germline.
Comment: The c.2378G>A (p.R793K) alteration is located in exon (coding exon ) of the SH3RF3 gene. This alteration results from a G to A substitution at nucleotide position 2378, causing the arginine (R) at amino acid position 793 to be replaced by a lysine (K). Based on insufficient or conflicting evidence, the clinical significance of this alteration remains unclear.